The following is an entry in ClinVar:

ClinVar aggregate classification (germline): Likely pathogenic. Review status: criteria provided, single submitter (1 of 4 stars). 2 submissions from 2 submitters: Likely pathogenic (1). 1 of the submissions does not count toward it. Last evaluated 2024-11-05.

Conditions:
Anauxetic dysplasia. Identifiers: Orphanet 93347, MedGen C1846796, MONDO:0011773.
Metaphyseal chondrodysplasia, McKusick type (CHH). Also called: Cartilage-hair hypoplasia; Cartilage-Hair Hypoplasia (CHH). Identifiers: Orphanet 175, MedGen C0220748, MONDO:0009595, OMIM 250250.

Allele frequency attached by ClinVar (database versions not stated): 1000 Genomes Project 0.00020; 1000 Genomes Project 30x 0.00016.
gnomAD v4.1: 8 of 700,436 alleles (0.0011%); highest among the groups gnomAD compares: East Asian, 0.0054%; no homozygotes.

Submissions (2):

Labcorp Genetics (formerly Invitae), Labcorp
Classification: Likely pathogenic for Anauxetic dysplasia. Last evaluated: 2024-11-05. Review status: criteria provided, single submitter. Criteria: Invitae Variant Classification Sherloc (09022015). Collection method: clinical testing. Allele origin: germline.
Comment: This variant occurs in the RMRP gene, which encodes an RNA molecule that does not result in a protein product. This variant is not present in population databases (gnomAD no frequency). This variant has been observed in individuals with RMRP-related conditions (PMID: 32021596). ClinVar contains an entry for this variant (Variation ID: 655898). Experimental studies and prediction algorithms are not available or were not evaluated, and the functional significance of this variant is currently unknown. This variant disrupts the n.36C nucleotide in the RMRP gene. Other variant(s) that disrupt this nucleotide have been determined to be pathogenic (PMID: 16244706, 18164267). This suggests that this nucleotide is clinically significant, and that variants that disrupt this position are likely to be disease-causing. In summary, the currently available evidence indicates that the variant is pathogenic, but additional data are needed to prove that conclusively. Therefore, this variant has been classified as Likely Pathogenic.

Natera, Inc.
Classification: Uncertain significance for Cartilage-hair hypoplasia. Last evaluated: 2020-01-17. Review status: no assertion criteria provided. Collection method: clinical testing. Allele origin: germline. Not counted in ClinVar's aggregate classification.

Literature cited by the submitters: PubMed 32021596 (cited by Labcorp Genetics (formerly Invitae), Labcorp); PubMed 16244706 (cited by Labcorp Genetics (formerly Invitae), Labcorp); PubMed 18164267 (cited by Labcorp Genetics (formerly Invitae), Labcorp).

NR_003051.4(RMRP):n.37C>G

Gene: RMRP (RNA component of mitochondrial RNA processing endoribonuclease; minus strand). Cytogenetic location: 9p13.3.
Variant type: single nucleotide variant.
Genome position: GRCh38 VCF-style: chr9-35657983-G-C. GRCh37 (hg19) VCF-style: chr9-35657980-G-C.
Identifiers: ClinVar variation 655898 (VCV000655898.7), dbSNP rs549085067, ClinGen allele CA192745701.